The following is an entry in ClinVar:

ClinVar aggregate classification (germline): Likely benign. Review status: criteria provided, single submitter (1 of 4 stars). 2 submissions from 2 submitters: Likely benign (1). 1 of the submissions does not count toward it. Last evaluated 2022-11-15.

Conditions:
KRT71-related disorder. Also called: KRT71-related condition.

Allele frequency attached by ClinVar (database versions not stated): gnomAD 0.00022; TOPMed 0.00023; ExAC 0.00026; ESP Exome Variant Server 0.00031.
gnomAD v4.1: 300 of 1,614,088 alleles (0.019%); highest among the groups gnomAD compares: Non-Finnish European, 0.011%; 1 homozygote.

Submissions (2):

Labcorp Genetics (formerly Invitae), Labcorp
Classification: Likely benign. Last evaluated: 2022-11-15. Review status: criteria provided, single submitter. Criteria: Invitae Variant Classification Sherloc (09022015). Collection method: clinical testing. Allele origin: germline.

PreventionGenetics, part of Exact Sciences
Classification: Benign for KRT71-related condition. Last evaluated: 2020-05-21. Review status: no assertion criteria provided. Collection method: clinical testing. Allele origin: germline. Not counted in ClinVar's aggregate classification.
Comment: This variant is classified as benign based on ACMG/AMP sequence variant interpretation guidelines (Richards et al. 2015 PMID: 25741868, with internal and published modifications).

NM_033448.3(KRT71):c.1198G>A (p.Ala400Thr)

Gene: KRT71 (keratin 71; minus strand). Cytogenetic location: 12q13.13.
Variant type: single nucleotide variant.
Coding change: c.1198G>A on transcript NM_033448.3 (MANE Select); coding-DNA position 1198, G replaced by A.
Protein change: p.Ala400Thr; replaces alanine 400 with threonine.
Molecular consequence: missense variant.
Genome position (GRCh38, 1-based): chr12:52,546,413, C>T on the plus strand (G>A on the coding strand, the complement: KRT71 is on the minus strand). VCF-style: chr12-52546413-C-T. GRCh37 (hg19) VCF-style: chr12-52940197-C-T.
Other names: c.1198G>A (NM_033448.2); short protein forms A400T.
Identifiers: ClinVar variation 2155124 (VCV002155124.6), dbSNP rs140706935, ClinGen allele CA6583146.